The following is an entry in ClinVar:

NM_000138.5(FBN1):c.2191C>G (p.Pro731Ala)

Gene: FBN1 (fibrillin 1; minus strand). Cytogenetic location: 15q21.1.
Variant type: single nucleotide variant.
Coding change: c.2191C>G on transcript NM_000138.5 (MANE Select); coding-DNA position 2191, C replaced by G.
Protein change: p.Pro731Ala; replaces proline 731 with alanine.
Molecular consequence: missense variant.
Genome position (GRCh38, 1-based): chr15:48,497,368, G>C on the plus strand (C>G on the coding strand, the complement: FBN1 is on the minus strand). VCF-style: chr15-48497368-G-C. GRCh37 (hg19) VCF-style: chr15-48789565-G-C.
Other names: c.2191C>G, p.Pro731Ala (NM_001406716.1); short protein forms P731A.
Identifiers: ClinVar variation 2929882 (VCV002929882.4), dbSNP rs2505576458, ClinGen allele CA392335821.

ClinVar aggregate classification (germline): Uncertain significance. Review status: criteria provided, multiple submitters, no conflicts (2 of 4 stars). 2 submissions from 2 submitters: Uncertain significance (2). Last evaluated 2023-12-02.

Conditions:
Marfan syndrome (MFS). Also called: MARFAN SYNDROME, TYPE I; Marfan syndrome type 1; Marfan's syndrome; Marfan syndrome, classic; FBN1-Related Marfan Syndrome. Identifiers: Orphanet 284963, Orphanet 558, MedGen C0024796, MONDO:0007947, OMIM 154700.
Familial thoracic aortic aneurysm and aortic dissection (TAAD). Also called: Thoracic aortic aneurysms and dissections. Identifiers: Orphanet 91387, MedGen C4707243, MONDO:0019625.

gnomAD v4.1: 6 of 1,613,744 alleles (0.00037%); highest among the groups gnomAD compares: Non-Finnish European, 0.00051%; no homozygotes.

Submissions (2):

Labcorp Genetics (formerly Invitae), Labcorp
Classification: Uncertain significance for Marfan syndrome; Familial thoracic aortic aneurysm and aortic dissection. Last evaluated: 2023-12-02. Review status: criteria provided, single submitter. Criteria: Invitae Variant Classification Sherloc (09022015). Collection method: clinical testing. Allele origin: germline.
Comment: This sequence change replaces proline, which is neutral and non-polar, with alanine, which is neutral and non-polar, at codon 731 of the FBN1 protein (p.Pro731Ala). This variant is not present in population databases (gnomAD no frequency). This variant has not been reported in the literature in individuals affected with FBN1-related conditions. Advanced modeling of protein sequence and biophysical properties (such as structural, functional, and spatial information, amino acid conservation, physicochemical variation, residue mobility, and thermodynamic stability) has been performed at Invitae for this missense variant, however the output from this modeling did not meet the statistical confidence thresholds required to predict the impact of this variant on FBN1 protein function. In summary, the available evidence is currently insufficient to determine the role of this variant in disease. Therefore, it has been classified as a Variant of Uncertain Significance.

All of Us Research Program, National Institutes of Health
Classification: Uncertain significance for Marfan syndrome. Last evaluated: 2023-08-23. Review status: criteria provided, single submitter. Criteria: ACMG Guidelines, 2015. Collection method: clinical testing. Allele origin: germline. Inheritance: Autosomal dominant inheritance. Observed: 1 variant allele, 1 heterozygote.
Comment: This missense variant replaces proline with alanine at codon 731 of the FBN1 protein. Computational prediction suggests that this variant may not impact protein structure and function (internally defined REVEL score threshold <= 0.5, PMID: 27666373). To our knowledge, functional studies have not been reported for this variant. This variant has not been reported in individuals affected with FBN1-related disorders in the literature. This variant has not been identified in the general population by the Genome Aggregation Database (gnomAD). The available evidence is insufficient to determine the role of this variant in disease conclusively. Therefore, this variant is classified as a Variant of Uncertain Significance.

This study involves interpretation of variants in research participants for the purpose of population health screening. Participant phenotype was not available at the time of variant classification. Additional details can be found in publication PMID: 35346344, PMCID: PMC8962531